The following is an entry in ClinVar:

ClinVar aggregate classification (germline): Pathogenic (1 of 4 stars; one submission).

Conditions:
CHD7-related CHARGE syndrome. Identifiers: MedGen CN380413, MONDO:1010178, OMIM 214800.

Submission:

Institute of Human Genetics, University of Leipzig Medical Center
Classification: Pathogenic for CHD7-related CHARGE syndrome. Last evaluated: 2026-03-31. Review status: criteria provided, single submitter. Criteria: ACMG Guidelines, 2015. Collection method: clinical testing. Allele origin: unknown. Inheritance: Autosomal dominant inheritance. Affected: yes.
Comment: Criteria applied: PVS1,PM2

NM_017780.4(CHD7):c.6046del (p.Ser2016fs)

Gene: CHD7 (chromodomain helicase DNA binding protein 7; plus strand). Cytogenetic location: 8q12.2.
Variant type: Deletion.
Coding change: c.6046del on transcript NM_017780.4 (MANE Select); coding-DNA position 6046, one base deleted (A; older notation c.6046delA).
Protein change: p.Ser2016fs; shifts the reading frame from serine 2016.
Molecular consequence: frameshift variant. On other transcripts: intron variant (1).
Genome position (GRCh38, 1-based): chr8:60,852,649, A deleted. VCF-style (leftmost placement, unchanged base first): chr8-60852648-CA-C. GRCh37 (hg19) VCF-style: chr8-61765207-CA-C.
Other names: c.1717-9580del (NM_001316690.1); short protein forms S2016fs.
Identifiers: ClinVar variation 4845386 (VCV004845386.1).